The following is an entry in ClinVar:

NM_017514.5(PLXNA3):c.2364G>T (p.Ala788=)

Gene: PLXNA3 (plexin A3; plus strand). Cytogenetic location: Xq28.
Variant type: single nucleotide variant.
Coding change: c.2364G>T on transcript NM_017514.5 (MANE Select); coding-DNA position 2364, G replaced by T.
Protein change: p.Ala788=; no amino-acid change (alanine 788 retained).
Molecular consequence: synonymous variant.
Genome position (GRCh38, 1-based): chrX:154,465,679, G>T. VCF-style: chrX-154465679-G-T. GRCh37 (hg19) VCF-style: chrX-153694022-G-T.
Identifiers: ClinVar variation 3344501 (VCV003344501.1).
Genomic context (GRCh38, chrX:154,465,679, plus strand): 5'-ACTGCCTGCTCCGTCAGCAGTGCCTTCTGTGCCTGCAGCCCTCCTGTACAAGTGCTGGGC[G>T]CAGCGGCCCAGCTGTGGCCTCTGCCTCAAGGCTGATCCCCGCTTCAACTGTGGCTGGTGC-3'
Protein context (NP_059984.3, residues 778-798): SFRALLYKCW[Ala788=]QRPSCGLCLK

ClinVar aggregate classification (germline): Likely benign (0 of 4 stars; one submission).

Conditions:
PLXNA3-related disorder. Also called: PLXNA3-related condition.

gnomAD v4.1: 96 of 1,207,250 alleles (0.008%); highest among the groups gnomAD compares: South Asian, 0.16%; 1 homozygote.

Submission:

PreventionGenetics, part of Exact Sciences
Classification: Likely benign for PLXNA3-related condition. Last evaluated: 2024-08-01. Review status: no assertion criteria provided. Collection method: clinical testing. Allele origin: germline.
Comment: This variant is classified as likely benign based on ACMG/AMP sequence variant interpretation guidelines (Richards et al. 2015 PMID: 25741868, with internal and published modifications).